The following is an entry in ClinVar:

ClinVar aggregate classification (germline): Uncertain significance (1 of 4 stars; one submission).

Submission:

Labcorp Genetics (formerly Invitae), Labcorp
Classification: Uncertain significance. Last evaluated: 2025-09-05. Review status: criteria provided, single submitter. Criteria: Invitae Variant Classification Sherloc (09022015). Collection method: clinical testing. Allele origin: germline.
Comment: This sequence change falls in intron 9 of the PLG gene. It does not directly change the encoded amino acid sequence of the PLG protein. It affects a nucleotide within the consensus splice site. This variant is not present in population databases (gnomAD no frequency). This variant has not been reported in the literature in individuals affected with PLG-related conditions. Variants that disrupt the consensus splice site are a relatively common cause of aberrant splicing (PMID: 17576681, 9536098). Algorithms developed to predict the effect of sequence changes on RNA splicing suggest that this variant is not likely to affect RNA splicing. In summary, the available evidence is currently insufficient to determine the role of this variant in disease. Therefore, it has been classified as a Variant of Uncertain Significance.

Literature cited by the submitters: PubMed 17576681; PubMed 9536098.

NM_000301.5(PLG):c.1096+5G>T

Gene: PLG (plasminogen; plus strand). Cytogenetic location: 6q26.
Variant type: single nucleotide variant.
Coding change: c.1096+5G>T on transcript NM_000301.5 (MANE Select); 5 bases into the intron after coding-DNA position 1096, G replaced by T.
Molecular consequence: intron variant.
Genome position (GRCh38, 1-based): chr6:160,718,843, G>T. VCF-style: chr6-160718843-G-T. GRCh37 (hg19) VCF-style: chr6-161139875-G-T.
Identifiers: ClinVar variation 4726693 (VCV004726693.1).